The following is an entry in ClinVar:

NM_004183.4(BEST1):c.598C>G (p.Arg200Gly)

Gene: BEST1 (bestrophin 1; plus strand). Cytogenetic location: 11q12.3.
Variant type: single nucleotide variant.
Coding change: c.598C>G on transcript NM_004183.4 (MANE Select); coding-DNA position 598, C replaced by G.
Protein change: p.Arg200Gly; replaces arginine 200 with glycine.
Molecular consequence: missense variant. On other transcripts: non-coding transcript variant (1).
Genome position (GRCh38, 1-based): chr11:61,956,960, C>G. VCF-style: chr11-61956960-C-G. GRCh37 (hg19) VCF-style: chr11-61724432-C-G.
Other names: c.418C>G, p.Arg140Gly (NM_001139443.3, NM_001300786.2, NM_001300787.2); c.280C>G, p.Arg94Gly (NM_001363591.3); c.598C>G, p.Arg200Gly (NM_001363592.2); c.-578C>G (NM_001363593.3); short protein forms R200G, R94G, R140G.
Identifiers: ClinVar variation 3480460 (VCV003480460.2).

ClinVar aggregate classification (germline): Uncertain significance (1 of 4 stars; one submission).

Conditions:
Inborn genetic diseases. Identifiers: MedGen C0950123, MeSH D030342.

Submission:

Ambry Genetics
Classification: Uncertain significance for Inborn genetic diseases. Last evaluated: 2024-12-24. Review status: criteria provided, single submitter. Criteria: Ambry Variant Classification Scheme 2023. Collection method: clinical testing. Allele origin: germline.
Comment: The c.598C>G (p.R200G) alteration is located in exon 5 (coding exon 4) of the BEST1 gene. This alteration results from a C to G substitution at nucleotide position 598, causing the arginine (R) at amino acid position 200 to be replaced by a glycine (G). This variant was not reported in population-based cohorts in the Genome Aggregation Database (gnomAD). This amino acid position is well conserved in available vertebrate species. This alteration is predicted to be deleterious by in silico analysis. Based on insufficient or conflicting evidence, the clinical significance of this alteration remains unclear.